The following is an entry in ClinVar:

ClinVar aggregate classification (germline): Uncertain significance. Review status: criteria provided, multiple submitters, no conflicts (2 of 4 stars). 3 submissions from 3 submitters: Uncertain significance (3). Last evaluated 2026-03-04.

Conditions:
Inborn genetic diseases. Identifiers: MedGen C0950123, MeSH D030342.

Allele frequency attached by ClinVar (database versions not stated): gnomAD exomes below 0.00001.
gnomAD v4.1: 3 of 1,613,410 alleles (0.00019%); highest among the groups gnomAD compares: African/African-American, 0.0027%; no homozygotes.

Submissions (3):

Ambry Genetics
Classification: Uncertain significance for Inborn genetic diseases. Last evaluated: 2026-03-04. Review status: criteria provided, single submitter. Criteria: Ambry Variant Classification Scheme 2023. Collection method: clinical testing. Allele origin: germline.
Comment: The p.A852V variant (also known as c.2555C>T), located in coding exon 1 of the SAMD9L gene, results from a C to T substitution at nucleotide position 2555. The alanine at codon 852 is replaced by valine, an amino acid with similar properties. This amino acid position is conserved. In addition, this alteration is predicted to be tolerated by in silico analysis. Based on the available evidence, the clinical significance of this variant remains unclear.

CeGaT Center for Human Genetics Tuebingen
Classification: Uncertain significance. Last evaluated: 2024-12-01. Review status: criteria provided, single submitter. Criteria: CeGaT Center For Human Genetics Tuebingen Variant Classification Criteria Version 2. Collection method: clinical testing. Allele origin: germline. Affected: yes. Observed: 1 variant allele.
Comment: SAMD9L: PM2, BP4

Labcorp Genetics (formerly Invitae), Labcorp
Classification: Uncertain significance. Last evaluated: 2023-10-09. Review status: criteria provided, single submitter. Criteria: Invitae Variant Classification Sherloc (09022015). Collection method: clinical testing. Allele origin: germline.
Comment: This sequence change replaces alanine, which is neutral and non-polar, with valine, which is neutral and non-polar, at codon 852 of the SAMD9L protein (p.Ala852Val). This variant is not present in population databases (gnomAD no frequency). This variant has not been reported in the literature in individuals affected with SAMD9L-related conditions. ClinVar contains an entry for this variant (Variation ID: 2039111). Advanced modeling of protein sequence and biophysical properties (such as structural, functional, and spatial information, amino acid conservation, physicochemical variation, residue mobility, and thermodynamic stability) performed at Invitae indicates that this missense variant is not expected to disrupt SAMD9L protein function. In summary, the available evidence is currently insufficient to determine the role of this variant in disease. Therefore, it has been classified as a Variant of Uncertain Significance.

NM_152703.5(SAMD9L):c.2555C>T (p.Ala852Val)

Gene: SAMD9L (sterile alpha motif domain containing 9 like; minus strand). Cytogenetic location: 7q21.2.
Variant type: single nucleotide variant.
Coding change: c.2555C>T on transcript NM_152703.5 (MANE Select); coding-DNA position 2555, C replaced by T.
Protein change: p.Ala852Val; replaces alanine 852 with valine.
Molecular consequence: missense variant.
Genome position (GRCh38, 1-based): chr7:93,133,417, G>A on the plus strand (C>T on the coding strand, the complement: SAMD9L is on the minus strand). VCF-style: chr7-93133417-G-A. GRCh37 (hg19) VCF-style: chr7-92762730-G-A.
Other names: c.2555C>T (NM_152703.2); c.2555C>T, p.Ala852Val (NM_001303496.3, NM_001303497.3, NM_001303498.3 and 5 more transcripts); short protein forms A852V.
Identifiers: ClinVar variation 2039111 (VCV002039111.17), dbSNP rs2535419430, ClinGen allele CA368187193.
Genomic context (GRCh38, chr7:93,133,417, plus strand): 5'-TTGGCACCAAAAGCTCTTTGTTCCTTGGAAGAAAGTTGGTAATTTAGTGCAATACTGTCT[G>A]CCAATTTTGCACTTTCATCTGGATTCCGGGATCTCATGCAGTTTAAGATAATTACCAATG-3'
Protein context (NP_689916.2, residues 842-862): SRNPDESAKL[Ala852Val]DSIALNYQLS